The following is an entry in ClinVar:

NM_024665.7(TBL1XR1):c.514G>C (p.Val172Leu)

Gene: TBL1XR1 (TBL1X/Y related 1; minus strand). Cytogenetic location: 3q26.32.
Variant type: single nucleotide variant.
Coding change: c.514G>C on transcript NM_024665.7 (MANE Select); coding-DNA position 514, G replaced by C.
Protein change: p.Val172Leu; replaces valine 172 with leucine.
Molecular consequence: missense variant.
Genome position (GRCh38, 1-based): chr3:177,050,524, C>G on the plus strand (G>C on the coding strand, the complement: TBL1XR1 is on the minus strand). VCF-style: chr3-177050524-C-G. GRCh37 (hg19) VCF-style: chr3-176768312-C-G.
Other names: c.514G>C, p.Val172Leu (NM_001321193.3, NM_001321194.3, NM_001374327.1 and 2 more transcripts); c.253G>C, p.Val85Leu (NM_001321195.3, NM_001374330.1); short protein forms V172L, V85L.
Identifiers: ClinVar variation 842022 (VCV000842022.9), dbSNP rs1716920045, ClinGen allele CA355552818.
Genomic context (GRCh38, chr3:177,050,524, plus strand): 5'-TTTGAGAAACATACCCTGATGCTAGGAGATCACTAACAGGGTTCCAGGCACAGATAAAAA[C>G]TTCAGATTCATGGCCCCGCAACACAACAGCTTTATTAGGAGGGATTTCAACATCCCCATC-3'
Protein context (NP_078941.2, residues 162-182): AVVLRGHESE[Val172Leu]FICAWNPVSD

ClinVar aggregate classification (germline): Likely pathogenic (1 of 4 stars; one submission).

Conditions:
Pierpont syndrome (PRPTS). Identifiers: Orphanet 487825, MedGen C1865644, MONDO:0011213, OMIM 602342.

Submission:

Labcorp Genetics (formerly Invitae), Labcorp
Classification: Likely pathogenic for Pierpont syndrome. Last evaluated: 2020-02-24. Review status: criteria provided, single submitter. Criteria: Invitae Variant Classification Sherloc (09022015). Collection method: clinical testing. Allele origin: germline.
Comment: In summary, the currently available evidence indicates that the variant is pathogenic, but additional data are needed to prove that conclusively. Therefore, this variant has been classified as Likely Pathogenic. Algorithms developed to predict the effect of missense changes on protein structure and function are either unavailable or do not agree on the potential impact of this missense change (SIFT: "Tolerated"; PolyPhen-2: "Probably Damaging"; Align-GVGD: "Class C0"). This variant has been observed in individual(s) with clinical features of TBL1XR1-related intellectual disability syndrome (Invitae). In at least one individual the variant was observed to be de novo. This variant is not present in population databases (ExAC no frequency). This sequence change replaces valine with leucine at codon 172 of the TBL1XR1 protein (p.Val172Leu). The valine residue is highly conserved and there is a small physicochemical difference between valine and leucine.